The following is an entry in ClinVar:

NM_015909.4(NBAS):c.3046G>T (p.Glu1016Ter)

Gene: NBAS (NBAS subunit of NRZ tethering complex; minus strand). Cytogenetic location: 2p24.3.
Variant type: single nucleotide variant.
Coding change: c.3046G>T on transcript NM_015909.4 (MANE Select); coding-DNA position 3046, G replaced by T.
Protein change: p.Glu1016Ter; replaces glutamic acid 1016 with a stop codon.
Molecular consequence: nonsense. On other transcripts: non-coding transcript variant (1).
Genome position (GRCh38, 1-based): chr2:15,402,193, C>A on the plus strand (G>T on the coding strand, the complement: NBAS is on the minus strand). VCF-style: chr2-15402193-C-A. GRCh37 (hg19) VCF-style: chr2-15542317-C-A.
Other names: short protein forms E1016*.
Identifiers: ClinVar variation 2708259 (VCV002708259.3), dbSNP rs2148429508, ClinGen allele CA345881903.

ClinVar aggregate classification (germline): Pathogenic (1 of 4 stars; one submission).

Allele frequency attached by ClinVar (database versions not stated): gnomAD exomes 0.00001.
gnomAD v4.1: 4 of 1,613,552 alleles (0.00025%); highest among the groups gnomAD compares: East Asian, 0.0089%; no homozygotes.

Submission:

Labcorp Genetics (formerly Invitae), Labcorp
Classification: Pathogenic. Last evaluated: 2023-06-20. Review status: criteria provided, single submitter. Criteria: Invitae Variant Classification Sherloc (09022015). Collection method: clinical testing. Allele origin: germline.
Comment: This sequence change creates a premature translational stop signal (p.Glu1016*) in the NBAS gene. It is expected to result in an absent or disrupted protein product. Loss-of-function variants in NBAS are known to be pathogenic (PMID: 26073778, 26541327, 27789416, 28031453). For these reasons, this variant has been classified as Pathogenic. This variant has not been reported in the literature in individuals affected with NBAS-related conditions. This variant is not present in population databases (gnomAD no frequency).

Literature cited by the submitters: PubMed 26073778; PubMed 26541327; PubMed 27789416; PubMed 28031453.